The following is an entry in ClinVar:

ClinVar aggregate classification (germline): Pathogenic (1 of 4 stars; one submission).

Submission:

ISCA site 4
Classification: Pathogenic. Last evaluated: 2011-08-12. Review status: criteria provided, single submitter. Criteria: Kaminsky et al. (Genet Med. 2011). Collection method: clinical testing. Allele origin: unknown. Affected: yes. Observed: 1 variant allele.
Comment: Copy number variation identified through the course of routine clinical cytogenomic testing in postnatal populations. Clinical assertions have been curated as described in Kaminsky et al. 2011.

GRCh38/hg38 10p15.3-14(chr10:90421-6769994)x3

Genes: MANCR (mitotically associated long non coding RNA; minus strand), MIR3155A (microRNA 3155a; plus strand), MIR3155B (microRNA 3155b; minus strand), MIR5699 (microRNA 5699; minus strand), MIR6072 (microRNA 6072; minus strand) and 296 more. Cytogenetic location: 10p15.3-14.
Variant type: copy number gain.
Change: copy number 3 (three copies instead of two) of chr10:90,421-6,769,994 (6.68 Mb, GRCh38 coordinates, 1-based), cytogenetic band 10p15.3-14.
Identifiers: ClinVar variation 57431 (VCV000057431.1).